The following is an entry in ClinVar:

NM_003890.3(FCGBP):c.13692C>A (p.Phe4564Leu)

Gene: FCGBP (Fc gamma binding protein; minus strand). Cytogenetic location: 19q13.2.
Variant type: single nucleotide variant.
Coding change: c.13692C>A on transcript NM_003890.3 (MANE Select); coding-DNA position 13692, C replaced by A.
Protein change: p.Phe4564Leu; replaces phenylalanine 4564 with leucine.
Molecular consequence: missense variant.
Genome position (GRCh38, 1-based): chr19:39,875,902, G>T on the plus strand (C>A on the coding strand, the complement: FCGBP is on the minus strand). VCF-style: chr19-39875902-G-T. GRCh37 (hg19) VCF-style: chr19-40366542-G-T.
Other names: short protein forms F4564L.
Identifiers: ClinVar variation 5021658 (VCV005021658.1).

ClinVar aggregate classification (germline): Uncertain significance (1 of 4 stars; one submission).

Submission:

Ambry Genetics
Classification: Uncertain significance. Last evaluated: 2026-07-03. Review status: criteria provided, single submitter. Criteria: Ambry Variant Classification Scheme 2023. Collection method: clinical testing. Allele origin: germline.
Comment: The c.13692C>A (p.F4564L) alteration is located in exon 30 (coding exon 30) of the FCGBP gene. This alteration results from a C to A substitution at nucleotide position 13692, causing the phenylalanine (F) at amino acid position 4564 to be replaced by a leucine (L). Based on data from gnomAD, the A allele has an overall frequency of <0.001% (1/247810) total alleles studied. The highest observed frequency was 0.003% (1/34464) of Latino alleles. Based on insufficient or conflicting evidence, the clinical significance of this alteration remains unclear.